The following is an entry in ClinVar:

NM_000548.5(TSC2):c.3814+8G>A

Gene: TSC2 (TSC complex subunit 2; plus strand). Cytogenetic location: 16p13.3.
Variant type: single nucleotide variant.
Coding change: c.3814+8G>A on transcript NM_000548.5 (MANE Select); 8 bases into the intron after coding-DNA position 3814, G replaced by A.
Molecular consequence: intron variant.
Genome position (GRCh38, 1-based): chr16:2,081,806, G>A. VCF-style: chr16-2081806-G-A. GRCh37 (hg19) VCF-style: chr16-2131807-G-A.
Other names: c.3814+8G>A (NM_001114382.3); c.3685+8G>A (NM_021055.3, NM_001370405.1, NM_001363528.2); c.3682+8G>A (NM_001370404.1, NM_001077183.3); c.3574+8G>A (NM_001318827.2); c.3082+8G>A (NM_001318831.2); c.3538+8G>A (NM_001318829.2); c.3715+8G>A (NM_001318832.2).
Identifiers: ClinVar variation 1970618 (VCV001970618.6), dbSNP rs1297489453, ClinGen allele CA2580091038.

ClinVar aggregate classification (germline): Likely benign. Review status: criteria provided, multiple submitters, no conflicts (2 of 4 stars). 2 submissions from 2 submitters: Likely benign (2). Last evaluated 2025-05-30.

Conditions:
Tuberous sclerosis 2 (TSC2). Identifiers: Orphanet 805, MedGen C1860707, MONDO:0013199, OMIM 613254.

Submissions (2):

Myriad Genetics, Inc.
Classification: Likely benign for Tuberous sclerosis 2. Last evaluated: 2025-05-30. Review status: criteria provided, single submitter. Criteria: Myriad Autosomal Dominant, Autosomal Recessive and X-Linked Classification Criteria (2023). Collection method: clinical testing. Allele origin: unknown.
Comment: This variant is considered likely benign. This variant is intronic and is not expected to impact mRNA splicing.

Labcorp Genetics (formerly Invitae), Labcorp
Classification: Likely benign for Tuberous sclerosis 2. Last evaluated: 2024-04-15. Review status: criteria provided, single submitter. Criteria: Invitae Variant Classification Sherloc (09022015). Collection method: clinical testing. Allele origin: germline.